The following is an entry in ClinVar:

ClinVar aggregate classification (germline): Uncertain significance. Review status: criteria provided, single submitter (1 of 4 stars). 2 submissions from 1 submitter: Uncertain significance (2). Last evaluated 2021-03-30.

Conditions:
Familial Mediterranean fever (FMF). Also called: POLYSEROSITIS, FAMILIAL PAROXYSMAL; POLYSEROSITIS, RECURRENT; Periodic peritonitis; Benign paroxysmal peritonitis. Identifiers: Orphanet 342, MedGen C0031069, MONDO:0018088, OMIM 249100. Disease mechanism: gain of function.
Familial Mediterranean fever, autosomal dominant. Also called: Dominant Familial Mediterranean Fever; FMF, AUTOSOMAL DOMINANT. Identifiers: Orphanet 342, MedGen C1851347, MONDO:0007601, OMIM 134610.
Acute febrile neutrophilic dermatosis (AFND). Also called: Sweet Syndrome; Gomm Button disease. Identifiers: Orphanet 3243, MedGen C0085077, MONDO:0011959, OMIM 608068.

Allele frequency attached by ClinVar (database versions not stated): TOPMed 0.00002.
gnomAD v4.1: 1 of 1,612,874 alleles (0.000062%); highest among the groups gnomAD compares: Non-Finnish European, 0.000085%; no homozygotes.

Submissions (2):

Center for Genomics, Ann and Robert H. Lurie Children's Hospital of Chicago
Classification: Uncertain significance for Acute febrile neutrophilic dermatosis; Familial Mediterranean fever; Familial Mediterranean fever, autosomal dominant. Last evaluated: 2021-03-30. Review status: criteria provided, single submitter. Criteria: ACMG Guidelines, 2015. Collection method: clinical testing. Allele origin: germline.
Comment: MEFV NM_000243.2 exon 2 p.Lys119Asn (c.357G>C): This variant has not been reported in the literature and is not present in large control databases. Evolutionary conservation and computational predictive tools for this variant are unclear. In summary, data on this variant is insufficient for disease classification. Therefore, the clinical significance of this variant is uncertain.

Center for Genomics, Ann and Robert H. Lurie Children's Hospital of Chicago
Classification: Uncertain significance for Familial Mediterranean fever, autosomal dominant; Familial Mediterranean fever. Last evaluated: 2019-09-10. Review status: criteria provided, single submitter. Criteria: ACMG Guidelines, 2015. Collection method: clinical testing. Allele origin: germline.
Comment: the same text as in the submission from Center for Genomics, Ann and Robert H. Lurie Children's Hospital of Chicago above.

NM_000243.3(MEFV):c.357G>C (p.Lys119Asn)

Gene: MEFV (MEFV innate immunity regulator, pyrin; minus strand). Cytogenetic location: 16p13.3.
Variant type: single nucleotide variant.
Coding change: c.357G>C on transcript NM_000243.3 (MANE Select); coding-DNA position 357, G replaced by C.
Protein change: p.Lys119Asn; replaces lysine 119 with asparagine.
Molecular consequence: missense variant. On other transcripts: intron variant (1).
Genome position (GRCh38, 1-based): chr16:3,254,711, C>G on the plus strand (G>C on the coding strand, the complement: MEFV is on the minus strand). VCF-style: chr16-3254711-C-G. GRCh37 (hg19) VCF-style: chr16-3304711-C-G.
Other names: c.277+1600G>C (NM_001198536.2); short protein forms K119N.
Identifiers: ClinVar variation 828008 (VCV000828008.2), dbSNP rs1000657059, ClinGen allele CA276903153.